The following is an entry in ClinVar:

NM_024408.4(NOTCH2):c.1264+3G>A

Gene: NOTCH2 (notch receptor 2; minus strand). Cytogenetic location: 1p12.
Variant type: single nucleotide variant.
Coding change: c.1264+3G>A on transcript NM_024408.4 (MANE Select); 3 bases into the intron after coding-DNA position 1264, G replaced by A.
Molecular consequence: intron variant.
Genome position (GRCh38, 1-based): chr1:119,968,074, C>T on the plus strand (G>A on the coding strand, the complement: NOTCH2 is on the minus strand). VCF-style: chr1-119968074-C-T. GRCh37 (hg19) VCF-style: chr1-120510697-C-T.
Other names: c.1264+3G>A (NM_001200001.2).
Identifiers: ClinVar variation 3022701 (VCV003022701.3), dbSNP rs782341192, ClinGen allele CA1040589.

ClinVar aggregate classification (germline): Uncertain significance (1 of 4 stars; one submission).

Conditions:
Hajdu-Cheney syndrome (HJCYS). Also called: ACROOSTEOLYSIS WITH OSTEOPOROSIS AND CHANGES IN SKULL AND MANDIBLE; SERPENTINE FIBULA-POLYCYSTIC KIDNEY SYNDROME; Acroosteolysis dominant type. Identifiers: Orphanet 955, MedGen C0917715, MONDO:0007057, OMIM 102500.

Allele frequency attached by ClinVar (database versions not stated): gnomAD exomes 0.00001; ExAC 0.00002; TOPMed below 0.00001.
gnomAD v4.1: 4 of 1,614,046 alleles (0.00025%); highest among the groups gnomAD compares: Admixed American, 0.005%; no homozygotes.

Submission:

Labcorp Genetics (formerly Invitae), Labcorp
Classification: Uncertain significance for Hajdu-Cheney syndrome. Last evaluated: 2025-11-09. Review status: criteria provided, single submitter. Criteria: Invitae Variant Classification Sherloc (09022015). Collection method: clinical testing. Allele origin: germline.
Comment: This sequence change falls in intron 7 of the NOTCH2 gene. It does not directly change the encoded amino acid sequence of the NOTCH2 protein. It affects a nucleotide within the consensus splice site. This variant is present in population databases (rs782341192, gnomAD 0.006%). This variant has not been reported in the literature in individuals affected with NOTCH2-related conditions. ClinVar contains an entry for this variant (Variation ID: 3022701). Variants that disrupt the consensus splice site are a relatively common cause of aberrant splicing (PMID: 17576681, 9536098). Algorithms developed to predict the effect of sequence changes on RNA splicing suggest that this variant is not likely to affect RNA splicing. In summary, the available evidence is currently insufficient to determine the role of this variant in disease. Therefore, it has been classified as a Variant of Uncertain Significance.

Literature cited by the submitters: PubMed 17576681; PubMed 9536098.